The following is an entry in ClinVar:

NM_001271.4(CHD2):c.5095C>T (p.Pro1699Ser)

Gene: CHD2 (chromodomain helicase DNA binding protein 2; plus strand). Cytogenetic location: 15q26.1.
Variant type: single nucleotide variant.
Coding change: c.5095C>T on transcript NM_001271.4 (MANE Select); coding-DNA position 5095, C replaced by T.
Protein change: p.Pro1699Ser; replaces proline 1699 with serine.
Molecular consequence: missense variant.
Genome position (GRCh38, 1-based): chr15:93,020,200, C>T. VCF-style: chr15-93020200-C-T. GRCh37 (hg19) VCF-style: chr15-93563430-C-T.
Other names: short protein forms P1699S.
Identifiers: ClinVar variation 1442477 (VCV001442477.8), dbSNP rs777481677, ClinGen allele CA7748650.

ClinVar aggregate classification (germline): Uncertain significance (1 of 4 stars; one submission).

Conditions:
Developmental and epileptic encephalopathy 94 (DEE94). Also called: CHD2-Related Neurodevelopmental Disorders; Epileptic encephalopathy, childhood-onset. Identifiers: Orphanet 1942, Orphanet 2382, MedGen C3809278, MONDO:0014150, OMIM 615369.

Allele frequency attached by ClinVar (database versions not stated): gnomAD 0.00002; gnomAD exomes 0.00002; ExAC 0.00003.
gnomAD v4.1: 28 of 1,613,970 alleles (0.0017%); highest among the groups gnomAD compares: Non-Finnish European, 0.0021%; no homozygotes.

Submission:

Labcorp Genetics (formerly Invitae), Labcorp
Classification: Uncertain significance for Developmental and epileptic encephalopathy 94. Last evaluated: 2024-10-24. Review status: criteria provided, single submitter. Criteria: Invitae Variant Classification Sherloc (09022015). Collection method: clinical testing. Allele origin: germline.
Comment: This sequence change replaces proline, which is neutral and non-polar, with serine, which is neutral and polar, at codon 1699 of the CHD2 protein (p.Pro1699Ser). This variant is present in population databases (rs777481677, gnomAD 0.004%). This variant has not been reported in the literature in individuals affected with CHD2-related conditions. ClinVar contains an entry for this variant (Variation ID: 1442477). Invitae Evidence Modeling of protein sequence and biophysical properties (such as structural, functional, and spatial information, amino acid conservation, physicochemical variation, residue mobility, and thermodynamic stability) indicates that this missense variant is not expected to disrupt CHD2 protein function with a negative predictive value of 95%. In summary, the available evidence is currently insufficient to determine the role of this variant in disease. Therefore, it has been classified as a Variant of Uncertain Significance.